The following is an entry in ClinVar:

ClinVar aggregate classification (germline): Likely pathogenic (1 of 4 stars; one submission).

Conditions:
Developmental and epileptic encephalopathy, 29 (DEE29). Also called: Epileptic encephalopathy, early infantile, 29. Identifiers: Orphanet 442835, MedGen C4225361, MONDO:0014593, OMIM 616339.

gnomAD v4.1: 2 of 1,614,212 alleles (0.00012%); highest among the groups gnomAD compares: Admixed American, 0.0017%; no homozygotes.

Submission:

Variantyx, Inc.
Classification: Likely pathogenic for Developmental and epileptic encephalopathy, 29. Last evaluated: 2025-09-26. Review status: criteria provided, single submitter. Criteria: Variantyx Assertion Criteria 2022. Collection method: clinical testing. Allele origin: germline. Inheritance: Autosomal recessive inheritance. Affected: no.
Comment: This is a nonsense variant in the AARS1 gene (OMIM: 601065). Pathogenic variants in this gene have been associated with autosomal recessive developmental and epileptic encephalopathy 29. This variant introduces a premature termination codon in exon 14 out of 21 and is expected to result in loss of function, which is a known disease mechanism for AARS1 in this disorder (PMID:25817015) (PVS1). This variant has a 0.0023% maximum allele frequency in non-founder control populations (PM2). Based on the current evidence, this variant is classified as likely pathogenic for autosomal recessive developmental and epileptic encephalopathy 29.

Literature cited by the submitters: PubMed 25817015.

NM_001605.3(AARS1):c.1942C>T (p.Gln648Ter)

Gene: AARS1 (alanyl-tRNA synthetase 1; minus strand). Cytogenetic location: 16q22.1.
Variant type: single nucleotide variant.
Coding change: c.1942C>T on transcript NM_001605.3 (MANE Select); coding-DNA position 1942, C replaced by T.
Protein change: p.Gln648Ter; replaces glutamine 648 with a stop codon.
Molecular consequence: nonsense.
Genome position (GRCh38, 1-based): chr16:70,259,030, G>A on the plus strand (C>T on the coding strand, the complement: AARS1 is on the minus strand). VCF-style: chr16-70259030-G-A. GRCh37 (hg19) VCF-style: chr16-70292933-G-A.
Other names: short protein forms Q648*.
Identifiers: ClinVar variation 4850051 (VCV004850051.1), dbSNP rs769917416.